The following is an entry in ClinVar:

ClinVar aggregate classification (germline): Likely benign (0 of 4 stars; one submission).

Conditions:
PLXNA2-related disorder. Also called: PLXNA2-related condition.

Submission:

PreventionGenetics, part of Exact Sciences
Classification: Likely benign for PLXNA2-related condition. Last evaluated: 2023-03-16. Review status: no assertion criteria provided. Collection method: clinical testing. Allele origin: germline.
Comment: This variant is classified as likely benign based on ACMG/AMP sequence variant interpretation guidelines (Richards et al. 2015 PMID: 25741868, with internal and published modifications).

NM_025179.4(PLXNA2):c.3324T>C (p.Pro1108=)

Gene: PLXNA2 (plexin A2; minus strand). Cytogenetic location: 1q32.2.
Variant type: single nucleotide variant.
Coding change: c.3324T>C on transcript NM_025179.4 (MANE Select); coding-DNA position 3324, T replaced by C.
Protein change: p.Pro1108=; no amino-acid change (proline 1108 retained).
Molecular consequence: synonymous variant.
Genome position (GRCh38, 1-based): chr1:208,046,049, A>G on the plus strand (T>C on the coding strand, the complement: PLXNA2 is on the minus strand). VCF-style: chr1-208046049-A-G. GRCh37 (hg19) VCF-style: chr1-208219394-A-G.
Identifiers: ClinVar variation 3356534 (VCV003356534.1).